The following is an entry in ClinVar:

NM_017777.4(MKS1):c.640A>G (p.Lys214Glu)

Gene: MKS1 (MKS transition zone complex subunit 1; minus strand). Cytogenetic location: 17q22.
Variant type: single nucleotide variant.
Coding change: c.640A>G on transcript NM_017777.4 (MANE Select); coding-DNA position 640, A replaced by G.
Protein change: p.Lys214Glu; replaces lysine 214 with glutamic acid.
Molecular consequence: missense variant.
Genome position (GRCh38, 1-based): chr17:58,214,263, T>C on the plus strand (A>G on the coding strand, the complement: MKS1 is on the minus strand). VCF-style: chr17-58214263-T-C. GRCh37 (hg19) VCF-style: chr17-56291624-T-C.
Other names: c.31A>G, p.Lys11Glu (NM_001321268.2); c.640A>G, p.Lys214Glu (NM_001321269.2, NM_001330397.2, NM_001411113.1); short protein forms K214E, K11E.
Identifiers: ClinVar variation 2194212 (VCV002194212.3), dbSNP rs1302221349, ClinGen allele CA400326827.

ClinVar aggregate classification (germline): Uncertain significance. Review status: criteria provided, multiple submitters, no conflicts (2 of 4 stars). 3 submissions from 3 submitters: Uncertain significance (3). Last evaluated 2025-10-18.

Conditions:
Joubert syndrome. Also called: CEREBELLOPARENCHYMAL DISORDER IV; JOUBERT-BOLTSHAUSER SYNDROME; Familial aplasia of the vermis. Identifiers: Orphanet 475, MedGen C5979921, MONDO:0018772.
Meckel-Gruber syndrome. Also called: DYSENCEPHALIA SPLANCHNOCYSTICA; GRUBER SYNDROME; Dysencephalia splachnocystica. Identifiers: Orphanet 564, MedGen C0265215, MONDO:0018921.
Inborn genetic diseases. Identifiers: MedGen C0950123, MeSH D030342.
Joubert syndrome 28 (JBTS28). Identifiers: MedGen C4310705, MONDO:0014928, OMIM 617121.
Meckel syndrome, type 1 (MKS1). Also called: MECKEL-GRUBER SYNDROME, TYPE 1. Identifiers: Orphanet 564, MedGen C3714506, MONDO:0009571, OMIM 249000.
Bardet-Biedl syndrome 13 (BBS13). Identifiers: Orphanet 110, MedGen C2673873, MONDO:0014441, OMIM 615990.

Allele frequency attached by ClinVar (database versions not stated): gnomAD exomes 0.00001.
gnomAD v4.1: 5 of 1,614,136 alleles (0.00031%); highest among the groups gnomAD compares: East Asian, 0.0089%; no homozygotes.

Submissions (3):

Ambry Genetics
Classification: Uncertain significance for Inborn genetic diseases. Last evaluated: 2025-10-18. Review status: criteria provided, single submitter. Criteria: Ambry Variant Classification Scheme 2023. Collection method: clinical testing. Allele origin: germline.

Fulgent Genetics
Classification: Uncertain significance for Meckel syndrome, type 1; Bardet-Biedl syndrome 13; Joubert syndrome 28. Last evaluated: 2024-02-13. Review status: criteria provided, single submitter. Criteria: ACMG Guidelines, 2015. Collection method: clinical testing. Allele origin: germline.

Labcorp Genetics (formerly Invitae), Labcorp
Classification: Uncertain significance for Joubert syndrome; Meckel-Gruber syndrome. Last evaluated: 2022-02-08. Review status: criteria provided, single submitter. Criteria: Invitae Variant Classification Sherloc (09022015). Collection method: clinical testing. Allele origin: germline.
Comment: This sequence change replaces lysine, which is basic and polar, with glutamic acid, which is acidic and polar, at codon 214 of the MKS1 protein (p.Lys214Glu). This variant is present in population databases (no rsID available, gnomAD 0.003%). This variant has not been reported in the literature in individuals affected with MKS1-related conditions. Advanced modeling of protein sequence and biophysical properties (such as structural, functional, and spatial information, amino acid conservation, physicochemical variation, residue mobility, and thermodynamic stability) performed at Invitae indicates that this missense variant is not expected to disrupt MKS1 protein function. In summary, the available evidence is currently insufficient to determine the role of this variant in disease. Therefore, it has been classified as a Variant of Uncertain Significance.